The following is an entry in ClinVar:

ClinVar aggregate classification (germline): Uncertain significance (1 of 4 stars; one submission).

Submission:

Labcorp Genetics (formerly Invitae), Labcorp
Classification: Uncertain significance. Last evaluated: 2022-10-05. Review status: criteria provided, single submitter. Criteria: Invitae Variant Classification Sherloc (09022015). Collection method: clinical testing. Allele origin: germline.
Comment: A copy number gain of the genomic region encompassing the full coding sequence of the PROP1 gene has been identified. The boundaries of this event are unknown as they extend beyond the assayed region for this gene and therefore may encompass additional genes. As the precise location of this event is unknown, it may be in tandem or it may be located elsewhere in the genome. This variant has not been reported in the literature in individuals affected with PROP1-related conditions. In summary, the available evidence is currently insufficient to determine the role of this variant in disease. Therefore, it has been classified as a Variant of Uncertain Significance.

NC_000005.9:g.(?_177419710)_(177422934_?)dup

Gene: PROP1 (PROP paired-like homeobox 1; minus strand). Cytogenetic location: 5q35.3.
Variant type: Duplication.
Identifiers: ClinVar variation 2425548 (VCV002425548.3).